The following is an entry in ClinVar:

NM_001042472.3(ABHD12):c.184C>T (p.Leu62=)

Gene: ABHD12 (abhydrolase domain containing 12, lysophospholipase; minus strand). Cytogenetic location: 20p11.21.
Variant type: single nucleotide variant.
Coding change: c.184C>T on transcript NM_001042472.3 (MANE Select); coding-DNA position 184, C replaced by T.
Protein change: p.Leu62=; no amino-acid change (leucine 62 retained).
Molecular consequence: synonymous variant.
Genome position (GRCh38, 1-based): chr20:25,390,520, G>A on the plus strand (C>T on the coding strand, the complement: ABHD12 is on the minus strand). VCF-style: chr20-25390520-G-A. GRCh37 (hg19) VCF-style: chr20-25371156-G-A.
Other names: c.184C>T, p.Leu62= (NM_015600.5); c.184C>T (NM_001042472.2).
Identifiers: ClinVar variation 1626854 (VCV001626854.10), dbSNP rs1321713163, ClinGen allele CA509882565.

ClinVar aggregate classification (germline): Likely benign. Review status: criteria provided, multiple submitters, no conflicts (2 of 4 stars). 2 submissions from 2 submitters: Likely benign (2). Last evaluated 2025-07-23.

Conditions:
ABHD12-related disorder. Also called: ABHD12-related condition.

Allele frequency attached by ClinVar (database versions not stated): gnomAD exomes 0.00001 and 0.00003; TOPMed 0.00003; gnomAD 0.00006.
gnomAD v4.1: 36 of 1,244,420 alleles (0.0029%); highest among the groups gnomAD compares: Non-Finnish European, 0.0037%; no homozygotes.

Submissions (2):

PreventionGenetics, part of Exact Sciences
Classification: Likely benign for ABHD12-related condition. Last evaluated: 2025-07-23. Review status: criteria provided, single submitter. Criteria: ACMG Guidelines, 2015. Collection method: clinical testing. Allele origin: germline.
Comment: This variant is classified as likely benign based on ACMG/AMP sequence variant interpretation guidelines (Richards et al. 2015 PMID: 25741868, with internal and published modifications).

Labcorp Genetics (formerly Invitae), Labcorp
Classification: Likely benign. Last evaluated: 2022-08-22. Review status: criteria provided, single submitter. Criteria: Invitae Variant Classification Sherloc (09022015). Collection method: clinical testing. Allele origin: germline.